The following is an entry in ClinVar:

ClinVar aggregate classification (germline): Uncertain significance. Review status: criteria provided, multiple submitters, no conflicts (2 of 4 stars). 3 submissions from 3 submitters: Uncertain significance (2). 1 of the submissions does not count toward it. Last evaluated 2019-07-30.

Conditions:
CFTR-related disorder (CFTR-RD). Also called: CFTR-related condition; CFTR-related disorders. Identifiers: MedGen C5924204, MONDO:7770004.
Cystic fibrosis (CF). Also called: MUCOVISCIDOSIS. Identifiers: Orphanet 586, MedGen C0010674, MONDO:0009061, OMIM 219700. Disease mechanism: loss of function.

Allele frequency attached by ClinVar (database versions not stated): gnomAD exomes below 0.00001.
gnomAD v4.1: 1 of 1,604,602 alleles (0.000062%); highest among the groups gnomAD compares: Admixed American, 0.0017%; no homozygotes.

Submissions (3):

Ambry Genetics
Classification: Uncertain significance for Cystic fibrosis. Last evaluated: 2019-07-30. Review status: criteria provided, single submitter. Criteria: Ambry Variant Classification Scheme 2023. Collection method: clinical testing. Allele origin: germline.
Comment: The p.V260M variant (also known as c.778G>A), located in coding exon 7 of the CFTR gene, results from a G to A substitution at nucleotide position 778. The valine at codon 260 is replaced by methionine, an amino acid with highly similar properties. This amino acid position is not well conserved in available vertebrate species. In addition, the in silico prediction for this alteration is inconclusive. Since supporting evidence is limited at this time, the clinical significance of this alteration remains unclear.

ARUP Laboratories, Molecular Genetics and Genomics, ARUP Laboratories
Classification: Uncertain significance. Last evaluated: 2018-08-24. Review status: criteria provided, single submitter. Criteria: ARUP Molecular Germline Variant Investigation Process. Collection method: clinical testing. Allele origin: germline.
Comment: The CFTR c.778G>A; p.Val260Met variant, to our knowledge, is not described in the medical literature or in gene-specific databases, and is only found on 1 allele in the Genome Aggregation Database. The valine at codon 260 is moderately conserved, but computational algorithms (PolyPhen-2: probably damaging, SIFT: tolerated) predict conflicting effects of this variant on protein structure/function. Due to the lack of clinical and functional data regarding this variant, its clinical significance cannot be determined with certainty.

Natera, Inc.
Classification: Uncertain significance for CFTR-related disorders. Last evaluated: 2018-11-06. Review status: no assertion criteria provided. Collection method: clinical testing. Allele origin: germline. Not counted in ClinVar's aggregate classification.

NM_000492.4(CFTR):c.778G>A (p.Val260Met)

Gene: CFTR (CF transmembrane conductance regulator; plus strand). Cytogenetic location: 7q31.2.
Variant type: single nucleotide variant.
Coding change: c.778G>A on transcript NM_000492.4 (MANE Select); coding-DNA position 778, G replaced by A.
Protein change: p.Val260Met; replaces valine 260 with methionine.
Molecular consequence: missense variant.
Genome position (GRCh38, 1-based): chr7:117,536,582, G>A. VCF-style: chr7-117536582-G-A. GRCh37 (hg19) VCF-style: chr7-117176636-G-A.
Other names: c.778G>A (NM_000492.3); short protein forms V260M.
Identifiers: ClinVar variation 811754 (VCV000811754.10), dbSNP rs1390016549, ClinGen allele CA368977385.